The following is an entry in ClinVar:

ClinVar aggregate classification (germline): Uncertain significance (1 of 4 stars; one submission).

Conditions:
Catecholaminergic polymorphic ventricular tachycardia (CVPT). Also called: Catecholamine-induced polymorphic ventricular tachycardia. Identifiers: Orphanet 3286, MedGen C5574922, MONDO:0017990.

Allele frequency attached by ClinVar (database versions not stated): gnomAD exomes 0.00001; TOPMed 0.00001; ExAC 0.00002.
gnomAD v4.1: 5 of 1,612,318 alleles (0.00031%); highest among the groups gnomAD compares: East Asian, 0.0067%; no homozygotes.

Submission:

All of Us Research Program, National Institutes of Health
Classification: Uncertain significance for Catecholaminergic polymorphic ventricular tachycardia. Last evaluated: 2023-06-26. Review status: criteria provided, single submitter. Criteria: ACMG Guidelines, 2015. Collection method: clinical testing. Allele origin: germline. Inheritance: Autosomal dominant inheritance. Observed: 1 variant allele, 1 heterozygote.
Comment: This missense variant replaces arginine with serine at codon 4683 of the RYR2 protein. Computational prediction is inconclusive regarding the impact of this variant on protein structure and function (internally defined REVEL score threshold 0.5 < inconclusive < 0.7, PMID: 27666373). To our knowledge, functional studies have not been reported for this variant. This variant has not been reported in individuals affected with RYR2-related disorders in the literature. This variant has been identified in 4/245716 chromosomes in the general population by the Genome Aggregation Database (gnomAD). The available evidence is insufficient to determine the role of this variant in disease conclusively. Therefore, this variant is classified as a Variant of Uncertain Significance.

This study involves interpretation of variants in research participants for the purpose of population health screening. Participant phenotype was not available at the time of variant classification. Additional details can be found in publication PMID: 35346344, PMCID: PMC8962531

NM_001035.3(RYR2):c.14049A>T (p.Arg4683Ser)

Gene: RYR2 (ryanodine receptor 2; plus strand). Cytogenetic location: 1q43.
Variant type: single nucleotide variant.
Coding change: c.14049A>T on transcript NM_001035.3 (MANE Select); coding-DNA position 14049, A replaced by T.
Protein change: p.Arg4683Ser; replaces arginine 4683 with serine.
Molecular consequence: missense variant.
Genome position (GRCh38, 1-based): chr1:237,798,129, A>T. VCF-style: chr1-237798129-A-T. GRCh37 (hg19) VCF-style: chr1-237961429-A-T.
Other names: short protein forms R4683S.
Identifiers: ClinVar variation 3071988 (VCV003071988.1), dbSNP rs757540582, ClinGen allele CA067904.